The following is an entry in ClinVar:

NM_018972.4(GDAP1):c.904T>C (p.Ser302Pro)

Gene: GDAP1 (ganglioside induced differentiation associated protein 1; plus strand). Cytogenetic location: 8q21.11.
Variant type: single nucleotide variant.
Coding change: c.904T>C on transcript NM_018972.4 (MANE Select); coding-DNA position 904, T replaced by C.
Protein change: p.Ser302Pro; replaces serine 302 with proline.
Molecular consequence: missense variant. On other transcripts: intron variant (1).
Genome position (GRCh38, 1-based): chr8:74,364,194, T>C. VCF-style: chr8-74364194-T-C. GRCh37 (hg19) VCF-style: chr8-75276429-T-C.
Other names: c.700T>C, p.Ser234Pro (NM_001040875.4); c.577T>C, p.Ser193Pro (NM_001362929.2, NM_001362932.2); c.730T>C, p.Ser244Pro (NM_001362930.2); c.694+1141T>C (NM_001362931.2); short protein forms S193P, S234P, S244P, S302P.
Identifiers: ClinVar variation 1709763 (VCV001709763.2), dbSNP rs1586807478, ClinGen allele CA371550515.

ClinVar aggregate classification (germline): Uncertain significance (1 of 4 stars; one submission).

Conditions:
Charcot-Marie-Tooth disease axonal type 2K (CMT2K). Also called: CHARCOT-MARIE-TOOTH DISEASE, AXONAL, AUTOSOMAL RECESSIVE, TYPE 2K; CHARCOT-MARIE-TOOTH NEUROPATHY, AXONAL, TYPE 2K; Charcot-Marie-Tooth disease type 2K. Identifiers: Orphanet 101097, Orphanet 99944, MedGen C1842983, MONDO:0011916, OMIM 607831.

Submission:

MGZ Medical Genetics Center
Classification: Uncertain significance for Charcot-Marie-Tooth disease axonal type 2K. Last evaluated: 2022-08-26. Review status: criteria provided, single submitter. Criteria: ACMG Guidelines, 2015. Collection method: clinical testing. Allele origin: germline. Affected: yes. Observed: 1 variant allele.
Comment: ACMG criteria applied: PM2_SUP, PP3